The following is an entry in ClinVar:

ClinVar aggregate classification (germline): Uncertain significance (1 of 4 stars; one submission).

Allele frequency attached by ClinVar (database versions not stated): gnomAD exomes below 0.00001; TOPMed below 0.00001.
gnomAD v4.1: 4 of 1,284,518 alleles (0.00031%); highest among the groups gnomAD compares: Non-Finnish European, 0.00029%; no homozygotes.

Submission:

Labcorp Genetics (formerly Invitae), Labcorp
Classification: Uncertain significance. Last evaluated: 2023-06-09. Review status: criteria provided, single submitter. Criteria: Invitae Variant Classification Sherloc (09022015). Collection method: clinical testing. Allele origin: germline.
Comment: This variant is not present in population databases (gnomAD no frequency). In summary, the available evidence is currently insufficient to determine the role of this variant in disease. Therefore, it has been classified as a Variant of Uncertain Significance. An algorithm developed to predict the effect of missense changes on protein structure and function (PolyPhen-2) suggests that this variant is likely to be tolerated. ClinVar contains an entry for this variant (Variation ID: 1496766). This variant has not been reported in the literature in individuals affected with IRF2BP2-related conditions. This sequence change replaces threonine, which is neutral and polar, with proline, which is neutral and non-polar, at codon 147 of the IRF2BP2 protein (p.Thr147Pro).

NM_182972.3(IRF2BP2):c.439A>C (p.Thr147Pro)

Genes: IRF2BP2 (interferon regulatory factor 2 binding protein 2; minus strand), LOC129932812 (ATAC-STARR-seq lymphoblastoid silent region 1977; plus strand). Cytogenetic location: 1q42.3.
Variant type: single nucleotide variant.
Coding change: c.439A>C on transcript NM_182972.3 (MANE Select); coding-DNA position 439, A replaced by C.
Protein change: p.Thr147Pro; replaces threonine 147 with proline.
Molecular consequence: missense variant.
Genome position (GRCh38, 1-based): chr1:234,609,056, T>G on the plus strand (A>C on the coding strand, the complement: IRF2BP2 is on the minus strand). VCF-style: chr1-234609056-T-G. GRCh37 (hg19) VCF-style: chr1-234744802-T-G.
Other names: c.439A>C, p.Thr147Pro (NM_001077397.1); short protein forms T147P.
Identifiers: ClinVar variation 1496766 (VCV001496766.6), dbSNP rs1672264477, ClinGen allele CA345310403.
Genomic context (GRCh38, chr1:234,609,056, plus strand): 5'-CCTCTAGCTTGGAGAAGCCGTTGGGCACCAGGATGCCGTTCACGGGCGGCGGCTGCGGCG[T>G]CGGCGGCTGGGCCAGGCTCGCTGCCGGGCGGCTGCTGCCGAAGTCAGAGCCGAGGCGCGG-3'
Protein context (NP_892017.2, residues 137-157): RPAASLAQPP[Thr147Pro]PQPPPVNGIL